The following is an entry in ClinVar:

ClinVar aggregate classification (germline): Uncertain significance. Review status: criteria provided, multiple submitters, no conflicts (2 of 4 stars). 2 submissions from 2 submitters: Uncertain significance (2). Last evaluated 2023-07-12.

Conditions:
Hereditary cancer-predisposing syndrome. Also called: Hereditary neoplastic syndrome; Tumor predisposition; Neoplastic Syndromes, Hereditary; Hereditary Cancer Syndrome. Identifiers: Orphanet 140162, MedGen C0027672, MeSH D009386, MONDO:0015356.
Multiple endocrine neoplasia, type 2 (MEN2). Identifiers: Orphanet 653, MedGen C4048306, MONDO:0019003. Disease mechanism: gain of function.

Allele frequency attached by ClinVar (database versions not stated): gnomAD exomes below 0.00001; ExAC 0.00001.
gnomAD v4.1: 1 of 1,614,074 alleles (0.000062%); highest among the groups gnomAD compares: Non-Finnish European, 0.000085%; no homozygotes.

Submissions (2):

Ambry Genetics
Classification: Uncertain significance for Hereditary cancer-predisposing syndrome. Last evaluated: 2023-07-12. Review status: criteria provided, single submitter. Criteria: Ambry Variant Classification Scheme 2023. Collection method: clinical testing. Allele origin: germline.
Comment: The p.P1053T variant (also known as c.3157C>A), located in coding exon 19 of the RET gene, results from a C to A substitution at nucleotide position 3157. The proline at codon 1053 is replaced by threonine, an amino acid with highly similar properties. This amino acid position is conserved. In addition, the in silico prediction for this alteration is inconclusive. Since supporting evidence is limited at this time, the clinical significance of this alteration remains unclear.

Labcorp Genetics (formerly Invitae), Labcorp
Classification: Uncertain significance for Multiple endocrine neoplasia, type 2. Last evaluated: 2022-10-16. Review status: criteria provided, single submitter. Criteria: Invitae Variant Classification Sherloc (09022015). Collection method: clinical testing. Allele origin: germline.
Comment: ClinVar contains an entry for this variant (Variation ID: 569954). In summary, the available evidence is currently insufficient to determine the role of this variant in disease. Therefore, it has been classified as a Variant of Uncertain Significance. Algorithms developed to predict the effect of missense changes on protein structure and function are either unavailable or do not agree on the potential impact of this missense change (SIFT: "Deleterious"; PolyPhen-2: "Probably Damaging"; Align-GVGD: "Class C0"). This variant has not been reported in the literature in individuals affected with RET-related conditions. This variant is present in population databases (rs754066766, gnomAD 0.0009%). This sequence change replaces proline, which is neutral and non-polar, with threonine, which is neutral and polar, at codon 1053 of the RET protein (p.Pro1053Thr).

NM_020975.6(RET):c.3157C>A (p.Pro1053Thr)

Gene: RET (ret proto-oncogene; plus strand). Cytogenetic location: 10q11.21.
Variant type: single nucleotide variant.
Coding change: c.3157C>A on transcript NM_020975.6 (MANE Select); coding-DNA position 3157, C replaced by A.
Protein change: p.Pro1053Thr; replaces proline 1053 with threonine.
Molecular consequence: missense variant.
Genome position (GRCh38, 1-based): chr10:43,126,692, C>A. VCF-style: chr10-43126692-C-A. GRCh37 (hg19) VCF-style: chr10-43622140-C-A.
Other names: c.3157C>A, p.Pro1053Thr (NM_000323.2, NM_001406743.1, NM_001406744.1 and 2 more transcripts); c.2395C>A, p.Pro799Thr (NM_001355216.2); c.3028C>A, p.Pro1010Thr (NM_001406761.1, NM_001406762.1, NM_001406764.1); c.3022C>A, p.Pro1008Thr (NM_001406763.1, NM_001406765.1); c.2869C>A, p.Pro957Thr (NM_001406766.1, NM_001406767.1, NM_001406770.1); c.2893C>A, p.Pro965Thr (NM_001406768.1); c.2761C>A, p.Pro921Thr (NM_001406769.1, NM_001406772.1); c.2719C>A, p.Pro907Thr (NM_001406771.1, NM_001406773.1); and 10 more; short protein forms P1053T, P799T, P1008T, P1010T, P618T, P907T, P921T, P570T.
Identifiers: ClinVar variation 569954 (VCV000569954.11), dbSNP rs754066766, ClinGen allele CA042849.